The following is an entry in ClinVar:

NM_015021.3(ZNF292):c.2605dup (p.Arg869fs)

Gene: ZNF292 (zinc finger protein 292; plus strand). Cytogenetic location: 6q14.3.
Variant type: Duplication.
Coding change: c.2605dup on transcript NM_015021.3 (MANE Select); coding-DNA position 2605, one base duplicated (A; older notation c.2605dupA).
Protein change: p.Arg869fs; shifts the reading frame from arginine 869.
Molecular consequence: frameshift variant.
Genome position (GRCh38, 1-based): chr6:87,256,234, A duplicated; the last of 3 consecutive A bases (chr6:87,256,232-87,256,234); duplicating any one gives the same sequence. VCF-style (leftmost placement, unchanged base first): chr6-87256231-G-GA. GRCh37 (hg19) VCF-style: chr6-87965949-G-GA.
Other names: c.2185dup, p.Arg729fs (NM_001351444.2); short protein forms R869fs, R729fs.
Identifiers: ClinVar variation 2603681 (VCV002603681.2), dbSNP rs2482302518, ClinGen allele CA2582341707.
Genomic context (GRCh38, chr6:87,256,231, plus strand): 5'-TCTGGAGATTCCATTCAGCCTTCTGAAGTGAATCAGAACACAGCAGAGAATATTGAGAAA[G>GA]AAAGATCTATGCTTCCTTCAGAAAATAACATTGAAAACAGCTTACTAGCAGATAGAAGTG-3'

ClinVar aggregate classification (germline): Pathogenic (1 of 4 stars; one submission).

Conditions:
Inborn genetic diseases. Identifiers: MedGen C0950123, MeSH D030342.

Submission:

Ambry Genetics
Classification: Pathogenic for Inborn genetic diseases. Last evaluated: 2023-06-21. Review status: criteria provided, single submitter. Criteria: Ambry Variant Classification Scheme 2023. Collection method: clinical testing. Allele origin: germline.
Comment: The c.2605dupA (p.R869Kfs*9) alteration, located in exon 8 (coding exon 8) of the ZNF292 gene, consists of a duplication of A at position 2605, causing a translational frameshift with a predicted alternate stop codon after 9 amino acids. This alteration occurs at the 3' terminus of the ZNF292 gene, is not expected to trigger nonsense-mediated mRNA decay, and impacts the last 68.1% of the protein. Premature stop codons are typically deleterious in nature, the impacted region is critical for protein function, and a significant portion of the protein is affected (Ambry internal data). This variant was not reported in population-based cohorts in the Genome Aggregation Database (gnomAD). Based on the available evidence, this alteration is classified as pathogenic.